The following is an entry in ClinVar:

NM_006904.7(PRKDC):c.5761G>A (p.Asp1921Asn)

Gene: PRKDC (protein kinase, DNA-activated, catalytic subunit; minus strand). Cytogenetic location: 8q11.21.
Variant type: single nucleotide variant.
Coding change: c.5761G>A on transcript NM_006904.7 (MANE Select); coding-DNA position 5761, G replaced by A.
Protein change: p.Asp1921Asn; replaces aspartic acid 1921 with asparagine.
Molecular consequence: missense variant.
Genome position (GRCh38, 1-based): chr8:47,862,531, C>T on the plus strand (G>A on the coding strand, the complement: PRKDC is on the minus strand). VCF-style: chr8-47862531-C-T. GRCh37 (hg19) VCF-style: chr8-48775092-C-T.
Other names: c.5761G>A, p.Asp1921Asn (NM_001081640.2); short protein forms D1921N.
Identifiers: ClinVar variation 953495 (VCV000953495.3), dbSNP rs373832970, ClinGen allele CA4740565.

ClinVar aggregate classification (germline): Uncertain significance (1 of 4 stars; one submission).

Conditions:
Severe combined immunodeficiency due to DNA-PKcs deficiency. Also called: IMMUNODEFICIENCY 26 WITH NEUROLOGIC ABNORMALITIES; Immunodeficiency 26 with or without neurologic abnormalities. Identifiers: Orphanet 317425, MedGen C4014833, MONDO:0014423, OMIM 615966.

Allele frequency attached by ClinVar (database versions not stated): gnomAD exomes 0.00003; gnomAD 0.00004; ExAC 0.00005; TOPMed 0.00006; ESP Exome Variant Server 0.00008.
gnomAD v4.1: 51 of 1,607,030 alleles (0.0032%); highest among the groups gnomAD compares: African/African-American, 0.0094%; no homozygotes.

Submission:

Labcorp Genetics (formerly Invitae), Labcorp
Classification: Uncertain significance for Severe combined immunodeficiency due to DNA-PKcs deficiency. Last evaluated: 2023-08-02. Review status: criteria provided, single submitter. Criteria: Invitae Variant Classification Sherloc (09022015). Collection method: clinical testing. Allele origin: germline.
Comment: In summary, the available evidence is currently insufficient to determine the role of this variant in disease. Therefore, it has been classified as a Variant of Uncertain Significance. Advanced modeling of protein sequence and biophysical properties (such as structural, functional, and spatial information, amino acid conservation, physicochemical variation, residue mobility, and thermodynamic stability) has been performed at Invitae for this missense variant, however the output from this modeling did not meet the statistical confidence thresholds required to predict the impact of this variant on PRKDC protein function. ClinVar contains an entry for this variant (Variation ID: 953495). This variant has not been reported in the literature in individuals affected with PRKDC-related conditions. This variant is present in population databases (rs373832970, gnomAD 0.02%). This sequence change replaces aspartic acid, which is acidic and polar, with asparagine, which is neutral and polar, at codon 1921 of the PRKDC protein (p.Asp1921Asn).